The following is an entry in ClinVar:

ClinVar aggregate classification (germline): Conflicting classifications of pathogenicity. Review status: criteria provided, conflicting classifications (1 of 4 stars). 8 submissions from 8 submitters: Uncertain significance (2); Benign (1); Likely benign (4). 1 of the submissions does not count toward it. Last evaluated 2025-12-17.

Conditions:
OPA1-related disorder. Also called: OPA1-related condition; OPA1-related disorders.
Autosomal dominant optic atrophy classic form (OPA1). Also called: Optic Atrophy Type 1; KJER-TYPE OPTIC ATROPHY; OPTIC ATROPHY, JUVENILE. Identifiers: Orphanet 98673, MedGen C0338508, MONDO:0008134, OMIM 165500.

Allele frequency attached by ClinVar (database versions not stated): TOPMed 0.00002; gnomAD 0.00004 and 0.00011; 1000 Genomes Project 30x 0.00078; 1000 Genomes Project 0.00100.
gnomAD v4.1: 281 of 1,613,868 alleles (0.017%); highest among the groups gnomAD compares: South Asian, 0.25%; 2 homozygotes.

Submissions (8):

Labcorp Genetics (formerly Invitae), Labcorp
Classification: Likely benign. Last evaluated: 2025-12-17. Review status: criteria provided, single submitter. Criteria: Invitae Variant Classification Sherloc (09022015). Collection method: clinical testing. Allele origin: germline.

Blueprint Genetics
Classification: Likely benign. Last evaluated: 2024-11-18. Review status: criteria provided, single submitter. Criteria: ACMG Guidelines, 2015. Collection method: clinical testing. Allele origin: germline.

Women's Health and Genetics/Laboratory Corporation of America, LabCorp
Classification: Uncertain significance. Last evaluated: 2024-08-08. Review status: criteria provided, single submitter. Criteria: LabCorp Variant Classification Summary - May 2015. Collection method: clinical testing. Allele origin: germline.
Comment: Variant summary: OPA1 c.253C>T (p.Arg85Cys) results in a non-conservative amino acid change in the encoded protein sequence. Three of five in-silico tools predict a benign effect of the variant on protein function. The variant allele was found at a frequency of 0.00037 in 248722 control chromosomes in the gnomAD database, including 1 homozygotes. This frequency is not significantly higher than estimated for a pathogenic variant in OPA1 causing OPA1-Related Disorders, allowing no conclusion about variant significance. To our knowledge, no occurrence of c.253C>T in individuals affected with OPA1-Related Disorders and no experimental evidence demonstrating its impact on protein function have been reported. ClinVar contains an entry for this variant (Variation ID: 344479). Based on the evidence outlined above, the variant was classified as uncertain significance.

CeGaT Center for Human Genetics Tuebingen
Classification: Likely benign. Last evaluated: 2022-12-01. Review status: criteria provided, single submitter. Criteria: CeGaT Center For Human Genetics Tuebingen Variant Classification Criteria Version 2. Collection method: clinical testing. Allele origin: germline. Affected: yes. Observed: 1 variant allele.
Comment: OPA1: BS1

Revvity Omics, Revvity
Classification: Uncertain significance. Last evaluated: 2021-02-22. Review status: criteria provided, single submitter. Criteria: ACMG Guidelines, 2015. Collection method: clinical testing. Allele origin: germline.

GeneDx
Classification: Likely benign. Last evaluated: 2021-02-09. Review status: criteria provided, single submitter. Criteria: GeneDx Variant Classification Process June 2021. Collection method: clinical testing. Allele origin: germline. Affected: yes.

Illumina Laboratory Services, Illumina
Classification: Benign for Autosomal dominant optic atrophy classic form. Last evaluated: 2018-01-13. Review status: criteria provided, single submitter. Criteria: ICSL Variant Classification Criteria 13 December 2019. Collection method: clinical testing. Allele origin: germline.
Comment: This variant was observed in the ICSL laboratory as part of a predisposition screen in an ostensibly healthy population. It had not been previously curated by ICSL or reported in the Human Gene Mutation Database (HGMD: prior to June 1st, 2018), and was therefore a candidate for classification through an automated scoring system. Utilizing variant allele frequency, disease prevalence and penetrance estimates, and inheritance mode, an automated score was calculated to assess if this variant is too frequent to cause the disease. Based on the score and internal cut-off values, a variant classified as benign is not then subjected to further curation. The score for this variant resulted in a classification of benign for this disease.

PreventionGenetics, part of Exact Sciences
Classification: Likely benign for OPA1-related condition. Last evaluated: 2023-11-22. Review status: no assertion criteria provided. Collection method: clinical testing. Allele origin: germline. Not counted in ClinVar's aggregate classification.
Comment: This variant is classified as likely benign based on ACMG/AMP sequence variant interpretation guidelines (Richards et al. 2015 PMID: 25741868, with internal and published modifications).

NM_130837.3(OPA1):c.253C>T (p.Arg85Cys)

Gene: OPA1 (OPA1 mitochondrial dynamin like GTPase; plus strand). Cytogenetic location: 3q29.
Variant type: single nucleotide variant.
Coding change: c.253C>T on transcript NM_130837.3 (MANE Select); coding-DNA position 253, C replaced by T.
Protein change: p.Arg85Cys; replaces arginine 85 with cysteine.
Molecular consequence: missense variant. On other transcripts: 5 prime UTR variant (2).
Genome position (GRCh38, 1-based): chr3:193,614,943, C>T. VCF-style: chr3-193614943-C-T. GRCh37 (hg19) VCF-style: chr3-193332732-C-T.
Other names: c.253C>T (NM_130837.2); c.-120C>T (NM_001354663.2, NM_001354664.2); c.253C>T, p.Arg85Cys (NM_015560.3, NM_130831.3, NM_130832.3 and 4 more transcripts); short protein forms R85C.
Identifiers: ClinVar variation 344479 (VCV000344479.47), dbSNP rs372435892, ClinGen allele CA2758961.
Genomic context (GRCh38, chr3:193,614,943, plus strand): 5'-CTGACAAACCTTCCTTTACGTAAACTGAAATTCTCTCCAATTAAATATGGCTACCAGCCT[C>T]GCAGGAATTTTTGGCCAGCAAGATTAGCTACGAGACTCTTAAAACTTCGCTATCTCATAC-3'
Protein context (NP_570850.2, residues 75-95): FSPIKYGYQP[Arg85Cys]RNFWPARLAT